The following is an entry in ClinVar:

NM_022124.6(CDH23):c.2112C>T (p.Tyr704=)

Gene: CDH23 (cadherin related 23; plus strand). Cytogenetic location: 10q22.1.
Variant type: single nucleotide variant.
Coding change: c.2112C>T on transcript NM_022124.6 (MANE Select); coding-DNA position 2112, C replaced by T.
Protein change: p.Tyr704=; no amino-acid change (tyrosine 704 retained).
Molecular consequence: synonymous variant.
Genome position (GRCh38, 1-based): chr10:71,690,520, C>T. VCF-style: chr10-71690520-C-T. GRCh37 (hg19) VCF-style: chr10-73450277-C-T.
Other names: c.2112C>T, p.Tyr704= (NM_001171930.2, NM_001171931.2).
Identifiers: ClinVar variation 162892 (VCV000162892.20), dbSNP rs565266663, ClinGen allele CA175471.

ClinVar aggregate classification (germline): Conflicting classifications of pathogenicity. Review status: criteria provided, conflicting classifications (1 of 4 stars). 8 submissions from 7 submitters: Uncertain significance (2); Likely benign (5). 1 of the submissions does not count toward it. Last evaluated 2026-08-14.

Conditions:
CDH23-related disorder. Also called: CDH23-related condition; CDH23-related disorders.
Usher syndrome type 1 (USH1). Also called: RETINITIS PIGMENTOSA AND CONGENITAL DEAFNESS. Identifiers: Orphanet 231169, Orphanet 886, MedGen C1568247, MONDO:0010168, OMIM 276900.
Autosomal recessive nonsyndromic hearing loss 12. Also called: DEAFNESS, AUTOSOMAL RECESSIVE 12. Identifiers: Orphanet 90636, MedGen C1832394, MONDO:0011067, OMIM 601386.
Usher syndrome type 1D (USH1D). Also called: USHER SYNDROME, TYPE ID. Identifiers: Orphanet 231169, Orphanet 886, MedGen C1832845, MONDO:0010984, OMIM 601067.

Allele frequency attached by ClinVar (database versions not stated): gnomAD 0.00002 and 0.00003; TOPMed 0.00004; gnomAD exomes 0.00006 and 0.00007; ExAC 0.00009; 1000 Genomes Project 0.00020; 1000 Genomes Project 30x 0.00031.
gnomAD v4.1: 103 of 1,611,476 alleles (0.0064%); highest among the groups gnomAD compares: Non-Finnish European, 0.0076%; no homozygotes.

Submissions (8):

PreventionGenetics, part of Exact Sciences
Classification: Likely benign for CDH23-related condition. Last evaluated: 2026-08-14. Review status: criteria provided, single submitter. Criteria: ACMG Guidelines, 2015. Collection method: clinical testing. Allele origin: germline.
Comment: This variant is classified as likely benign based on ACMG/AMP sequence variant interpretation guidelines (Richards et al. 2015 PMID: 25741868, with internal and published modifications).

Women's Health and Genetics/Laboratory Corporation of America, LabCorp
Classification: Likely benign. Last evaluated: 2026-06-26. Review status: criteria provided, single submitter. Criteria: LabCorp Variant Classification Summary - May 2015. Collection method: clinical testing. Allele origin: germline.

Labcorp Genetics (formerly Invitae), Labcorp
Classification: Likely benign. Last evaluated: 2026-01-28. Review status: criteria provided, single submitter. Criteria: Invitae Variant Classification Sherloc (09022015). Collection method: clinical testing. Allele origin: germline.

Blueprint Genetics
Classification: Likely benign. Last evaluated: 2024-10-10. Review status: criteria provided, single submitter. Criteria: ACMG Guidelines, 2015. Collection method: clinical testing. Allele origin: germline.

Illumina Laboratory Services, Illumina
Classification: Uncertain significance for Autosomal recessive nonsyndromic hearing loss 12. Last evaluated: 2018-01-13. Review status: criteria provided, single submitter. Criteria: ICSL Variant Classification Criteria 13 December 2019. Collection method: clinical testing. Allele origin: germline.

Illumina Laboratory Services, Illumina
Classification: Uncertain significance for Usher syndrome type 1D. Last evaluated: 2018-01-13. Review status: criteria provided, single submitter. Criteria: ICSL Variant Classification Criteria 13 December 2019. Collection method: clinical testing. Allele origin: germline.

Laboratory for Molecular Medicine, Mass General Brigham Personalized Medicine
Classification: Likely benign. Last evaluated: 2014-05-01. Review status: criteria provided, single submitter. Criteria: LMM Criteria. Collection method: clinical testing. Allele origin: germline. Observed: 1 variant allele.
Comment: Tyr704Tyr in intron 20 of CDH23: This variant is not expected to have clinical s ignificance because it does not alter an amino acid residue and is not located w ithin the splice consensus sequence.

Natera, Inc.
Classification: Likely benign for Usher syndrome type 1. Last evaluated: 2020-10-05. Review status: no assertion criteria provided. Collection method: clinical testing. Allele origin: germline. Not counted in ClinVar's aggregate classification.